The following is an entry in ClinVar:

NM_006035.4(CDC42BPB):c.3067C>T (p.Pro1023Ser)

Gene: CDC42BPB (CDC42 binding protein kinase beta; minus strand). Cytogenetic location: 14q32.32.
Variant type: single nucleotide variant.
Coding change: c.3067C>T on transcript NM_006035.4 (MANE Select); coding-DNA position 3067, C replaced by T.
Protein change: p.Pro1023Ser; replaces proline 1023 with serine.
Molecular consequence: missense variant.
Genome position (GRCh38, 1-based): chr14:102,952,603, G>A on the plus strand (C>T on the coding strand, the complement: CDC42BPB is on the minus strand). VCF-style: chr14-102952603-G-A. GRCh37 (hg19) VCF-style: chr14-103418940-G-A.
Other names: c.2989C>T, p.Pro997Ser (NM_001411054.1); short protein forms P1023S, P997S.
Identifiers: ClinVar variation 3366046 (VCV003366046.1).
Genomic context (GRCh38, chr14:102,952,603, plus strand): 5'-TGCAGTGGCTGCACTGAGTAGGGCTGGAGAAGGACTTGATGCTGAACTGGTGAGCTTTTG[G>A]CTGGAAGGAGAAAATCAAGAACACTGAGGTGAACCATGGACTCTTGAGAGTCAGATCCAT-3'
Protein context (NP_006026.3, residues 1013-1033): TQALALAGPK[Pro1023Ser]KAHQFSIKSF

ClinVar aggregate classification (germline): Uncertain significance (1 of 4 stars; one submission).

Submission:

GeneDx
Classification: Uncertain significance. Last evaluated: 2024-03-13. Review status: criteria provided, single submitter. Criteria: GeneDx Variant Classification Process June 2021. Collection method: clinical testing. Allele origin: germline. Affected: yes.
Comment: Not observed at significant frequency in large population cohorts (gnomAD); In silico analysis supports that this missense variant does not alter protein structure/function; Has not been previously published as pathogenic or benign to our knowledge